The following is an entry in ClinVar:

ClinVar aggregate classification (germline): Uncertain significance (1 of 4 stars; one submission).

Submission:

CeGaT Center for Human Genetics Tuebingen
Classification: Uncertain significance. Last evaluated: 2022-03-01. Review status: criteria provided, single submitter. Criteria: CeGaT Center For Human Genetics Tuebingen Variant Classification Criteria Version 2. Collection method: clinical testing. Allele origin: germline. Affected: yes. Observed: 1 variant allele.
Comment: EZH2: PM2, PP2, PP3

NM_004456.5(EZH2):c.812C>T (p.Ser271Phe)

Gene: EZH2 (enhancer of zeste 2 polycomb repressive complex 2 subunit; minus strand). Cytogenetic location: 7q36.1.
Variant type: single nucleotide variant.
Coding change: c.812C>T on transcript NM_004456.5 (MANE Select); coding-DNA position 812, C replaced by T.
Protein change: p.Ser271Phe; replaces serine 271 with phenylalanine.
Molecular consequence: missense variant.
Genome position (GRCh38, 1-based): chr7:148,826,549, G>A on the plus strand (C>T on the coding strand, the complement: EZH2 is on the minus strand). VCF-style: chr7-148826549-G-A. GRCh37 (hg19) VCF-style: chr7-148523641-G-A.
Other names: c.812C>T, p.Ser271Phe (NM_001203247.2); c.785C>T, p.Ser262Phe (NM_001203248.2, NM_001203249.2); c.695C>T, p.Ser232Phe (NM_152998.3); short protein forms S232F, S262F, S271F.
Identifiers: ClinVar variation 2658141 (VCV002658141.24), dbSNP rs2537034342, ClinGen allele CA369719315.
Genomic context (GRCh38, chr7:148,826,549, plus strand): 5'-TTAAAACATCGCCTACAGAAAAGCGTATGAAAGGAGTGTAAGCTTTGCTCTCTCTGAACA[G>A]ATTTAGCATTTGGTCCATCTATGTTGGGGGTACATTCAGGAGGAAGTGCGCCTGGGAGCT-3'
Protein context (NP_004447.2, residues 261-281): TPNIDGPNAK[Ser271Phe]VQREQSLHSF